The following is an entry in ClinVar:

ClinVar aggregate classification (germline): Conflicting classifications of pathogenicity. Review status: criteria provided, conflicting classifications (1 of 4 stars). 3 submissions from 3 submitters: Uncertain significance (1); Benign (1); Likely benign (1). Last evaluated 2025-10-27.

Conditions:
Familial cancer of breast. Also called: Hereditary breast cancer; BREAST CANCER, FAMILIAL; hereditary breast carcinoma. Identifiers: Orphanet 227535, MedGen C0346153, MONDO:0016419, OMIM 114480. Disease mechanism: loss of function.
Hereditary cancer-predisposing syndrome. Also called: Hereditary Cancer Syndrome; Tumor predisposition; Neoplastic Syndromes, Hereditary; Hereditary neoplastic syndrome. Identifiers: Orphanet 140162, MedGen C0027672, MeSH D009386, MONDO:0015356.
Fanconi anemia complementation group J. Also called: BRIP1-Related Fanconi Anemia. Identifiers: Orphanet 84, MedGen C1836860, MONDO:0012187, OMIM 609054.

Allele frequency attached by ClinVar (database versions not stated): gnomAD exomes below 0.00001.
gnomAD v4.1: 2 of 1,613,298 alleles (0.00012%); highest among the groups gnomAD compares: Non-Finnish European, 0.00017%; no homozygotes.

Submissions (3):

Ambry Genetics
Classification: Likely benign for Hereditary cancer-predisposing syndrome. Last evaluated: 2025-10-27. Review status: criteria provided, single submitter. Criteria: Ambry Variant Classification Scheme 2023. Collection method: clinical testing. Allele origin: germline.

Myriad Genetics, Inc.
Classification: Benign for Familial cancer of breast. Last evaluated: 2024-08-22. Review status: criteria provided, single submitter. Criteria: Myriad Autosomal Dominant, Autosomal Recessive and X-Linked Classification Criteria (2023). Collection method: clinical testing. Allele origin: unknown.
Comment: This variant is considered benign. This variant is a silent/synonymous amino acid change and it is not expected to impact splicing.

Labcorp Genetics (formerly Invitae), Labcorp
Classification: Uncertain significance for Familial cancer of breast; Fanconi anemia complementation group J. Last evaluated: 2022-03-20. Review status: criteria provided, single submitter. Criteria: Invitae Variant Classification Sherloc (09022015). Collection method: clinical testing. Allele origin: germline.
Comment: In summary, the available evidence is currently insufficient to determine the role of this variant in disease. Therefore, it has been classified as a Variant of Uncertain Significance. Algorithms developed to predict the effect of sequence changes on RNA splicing suggest that this variant may disrupt the consensus splice site. This variant has not been reported in the literature in individuals affected with BRIP1-related conditions. This variant is not present in population databases (gnomAD no frequency). This sequence change affects codon 215 of the BRIP1 mRNA. It is a 'silent' change, meaning that it does not change the encoded amino acid sequence of the BRIP1 protein.

NM_032043.3(BRIP1):c.645T>G (p.Ser215=)

Gene: BRIP1 (BRCA1 interacting DNA helicase 1; minus strand). Cytogenetic location: 17q23.2.
Variant type: single nucleotide variant.
Coding change: c.645T>G on transcript NM_032043.3 (MANE Select); coding-DNA position 645, T replaced by G.
Protein change: p.Ser215=; no amino-acid change (serine 215 retained).
Molecular consequence: synonymous variant.
Genome position (GRCh38, 1-based): chr17:61,808,740, A>C on the plus strand (T>G on the coding strand, the complement: BRIP1 is on the minus strand). VCF-style: chr17-61808740-A-C. GRCh37 (hg19) VCF-style: chr17-59886101-A-C.
Identifiers: ClinVar variation 2105627 (VCV002105627.6), dbSNP rs2145423071, ClinGen allele CA501335360.